The following is an entry in ClinVar:

NM_170682.4(P2RX2):c.648C>T (p.Ala216=)

Gene: P2RX2 (purinergic receptor P2X 2; plus strand). Cytogenetic location: 12q24.33.
Variant type: single nucleotide variant.
Coding change: c.648C>T on transcript NM_170682.4 (MANE Select); coding-DNA position 648, C replaced by T.
Protein change: p.Ala216=; no amino-acid change (alanine 216 retained).
Molecular consequence: synonymous variant. On other transcripts: nonsense (1).
Genome position (GRCh38, 1-based): chr12:132,620,457, C>T. VCF-style: chr12-132620457-C-T. GRCh37 (hg19) VCF-style: chr12-133197043-C-T.
Other names: c.541C>T, p.Arg181Ter (NM_001282164.2); c.648C>T, p.Ala216= (NM_001282165.2, NM_170683.4, NM_174873.3); c.432C>T, p.Ala144= (NM_012226.5); c.576C>T, p.Ala192= (NM_016318.4); c.372C>T, p.Ala124= (NM_174872.3); c.541C>T (NM_001282164.1); short protein forms R181*.
Identifiers: ClinVar variation 1579871 (VCV001579871.9), dbSNP rs199815935, ClinGen allele CA6891606.
Genomic context (GRCh38, chr12:132,620,457, plus strand): 5'-GGAATGGGGTATTTGGGGTGCAGGTCTCGCCTCCTGCCGCCTCCTCAGGGGCAACATCGC[C>T]GACCGCACAGACGGGTACCTGAAGCGCTGCACGTTCCACGAGGCCTCCGACCTCTACTGC-3'
Protein context (NP_733782.1, residues 206-226): PKFHFSKGNI[Ala216=]DRTDGYLKRC

ClinVar aggregate classification (germline): Conflicting classifications of pathogenicity. Review status: criteria provided, conflicting classifications (1 of 4 stars). 2 submissions from 2 submitters: Uncertain significance (1); Likely benign (1). Last evaluated 2026-07-08.

Conditions:
P2RX2-related disorder. Also called: P2RX2-related condition.

Allele frequency attached by ClinVar (database versions not stated): gnomAD exomes 0.00007; ExAC 0.00009; gnomAD 0.00010 and 0.00011; TOPMed 0.00011; 1000 Genomes Project 30x 0.00016; 1000 Genomes Project 0.00020.
gnomAD v4.1: 347 of 1,614,080 alleles (0.021%); highest among the groups gnomAD compares: Non-Finnish European, 0.027%; no homozygotes.

Submissions (2):

PreventionGenetics, part of Exact Sciences
Classification: Uncertain significance for P2RX2-related condition. Last evaluated: 2026-07-08. Review status: criteria provided, single submitter. Criteria: ACMG Guidelines, 2015. Collection method: clinical testing. Allele origin: germline.
Comment: The P2RX2 c.541C>T variant is predicted to result in premature protein termination (p.Arg181*). In an alternate transcript (NM_174873.2), this variant results in a synonymous change (c.648C>T (p.=)). To our knowledge, this variant has not been reported in the literature. This variant is reported in 0.015% of alleles in individuals of European (Non-Finnish) descent in gnomAD, which may be too frequent to be a primary cause of disease. Although this variant is suspected to be benign, at this time, the clinical significance of this variant is uncertain due to the absence of conclusive functional and genetic evidence.

Labcorp Genetics (formerly Invitae), Labcorp
Classification: Likely benign. Last evaluated: 2024-02-28. Review status: criteria provided, single submitter. Criteria: Invitae Variant Classification Sherloc (09022015). Collection method: clinical testing. Allele origin: germline.